The following is an entry in ClinVar:

ClinVar aggregate classification (germline): Uncertain significance (1 of 4 stars; one submission).

Conditions:
Developmental and epileptic encephalopathy, 9 (DEE9). Also called: Early infantile epileptic encephalopathy 9; EPILEPSY, FEMALE-RESTRICTED, WITH MENTAL RETARDATION; PCDH19-Related X-Linked Female-Limited Epilepsy with Mental Retardation; JUBERG-HELLMAN SYNDROME. Identifiers: Orphanet 101039, Orphanet 2076, MedGen C1848137, MONDO:0010246, OMIM 300088. Disease mechanism: loss of function.

Allele frequency attached by ClinVar (database versions not stated): gnomAD exomes below 0.00001; TOPMed 0.00001; gnomAD 0.00002.
gnomAD v4.1: 5 of 1,209,776 alleles (0.00041%); highest among the groups gnomAD compares: African/African-American, 0.0018%; no homozygotes.

Submission:

Labcorp Genetics (formerly Invitae), Labcorp
Classification: Uncertain significance for Developmental and epileptic encephalopathy, 9. Last evaluated: 2026-01-18. Review status: criteria provided, single submitter. Criteria: Invitae Variant Classification Sherloc (09022015). Collection method: clinical testing. Allele origin: germline.
Comment: This sequence change replaces isoleucine, which is neutral and non-polar, with valine, which is neutral and non-polar, at codon 553 of the PCDH19 protein (p.Ile553Val). This variant is present in population databases (rs796052818, gnomAD 0.002%). This missense change has been observed in individual(s) with clinical features of PCDH19-related conditions (internal data). ClinVar contains an entry for this variant (Variation ID: 206336). Invitae Evidence Modeling of protein sequence and biophysical properties (such as structural, functional, and spatial information, amino acid conservation, physicochemical variation, residue mobility, and thermodynamic stability) indicates that this missense variant is not expected to disrupt PCDH19 protein function with a negative predictive value of 95%. In summary, the available evidence is currently insufficient to determine the role of this variant in disease. Therefore, it has been classified as a Variant of Uncertain Significance.

NM_001184880.2(PCDH19):c.1657A>G (p.Ile553Val)

Gene: PCDH19 (protocadherin 19; minus strand). Cytogenetic location: Xq22.1.
Variant type: single nucleotide variant.
Coding change: c.1657A>G on transcript NM_001184880.2 (MANE Select); coding-DNA position 1657, A replaced by G.
Protein change: p.Ile553Val; replaces isoleucine 553 with valine.
Molecular consequence: missense variant.
Genome position (GRCh38, 1-based): chrX:100,406,941, T>C on the plus strand (A>G on the coding strand, the complement: PCDH19 is on the minus strand). VCF-style: chrX-100406941-T-C. GRCh37 (hg19) VCF-style: chrX-99661939-T-C.
Other names: c.1657A>G, p.Ile553Val (NM_001105243.2, NM_020766.3); short protein forms I553V.
Identifiers: ClinVar variation 206336 (VCV000206336.9), dbSNP rs796052818, ClinGen allele CA316363.
Genomic context (GRCh38, chrX:100,406,941, plus strand): 5'-CAGTGCCGTTAATCAGAGGTGGGGCTGTGATGACCGGGGTGTTGTCGTTGACGTCGAGGA[T>C]GATGACCCGCACCGTAGCGTTGCTTTGCAGTGAGGGAAGGCCGCCGTCCTTGGCCAGCAC-3'
Protein context (NP_001171809.1, residues 543-563): LQSNATVRVI[Ile553Val]LDVNDNTPVI